The following is an entry in ClinVar:

ClinVar aggregate classification (germline): Likely benign (1 of 4 stars; one submission).

Allele frequency attached by ClinVar (database versions not stated): gnomAD exomes 0.00001.
gnomAD v4.1: 7 of 1,610,646 alleles (0.00043%); highest among the groups gnomAD compares: Non-Finnish European, 0.00059%; no homozygotes.

Submission:

GeneDx
Classification: Likely benign. Last evaluated: 2015-11-04. Review status: criteria provided, single submitter. Criteria: GeneDx Variant Classification (06012015). Collection method: clinical testing. Allele origin: germline. Affected: yes.
Comment: This variant is considered likely benign or benign based on one or more of the following criteria: it is a conservative change, it occurs at a poorly conserved position in the protein, it is predicted to be benign by multiple in silico algorithms, and/or has population frequency not consistent with disease.

NM_144736.5(NDUFAF7):c.622+8C>G

Gene: NDUFAF7 (NADH:ubiquinone oxidoreductase complex assembly factor 7; plus strand). Cytogenetic location: 2p22.2.
Variant type: single nucleotide variant.
Coding change: c.622+8C>G on transcript NM_144736.5 (MANE Select); 8 bases into the intron after coding-DNA position 622, C replaced by G.
Molecular consequence: intron variant. On other transcripts: non-coding transcript variant (2).
Genome position (GRCh38, 1-based): chr2:37,241,799, C>G. VCF-style: chr2-37241799-C-G. GRCh37 (hg19) VCF-style: chr2-37468942-C-G.
Other names: c.622+8C>G (NM_001350024.2); c.468+162C>G (NM_001350027.2); c.541+8C>G (NM_001350025.2); c.387+162C>G (NM_001083946.2).
Identifiers: ClinVar variation 381289 (VCV000381289.1), dbSNP rs1057521009, ClinGen allele CA16604185.